The following is an entry in ClinVar:

ClinVar aggregate classification (germline): Uncertain significance. Review status: criteria provided, multiple submitters, no conflicts (2 of 4 stars). 2 submissions from 2 submitters: Uncertain significance (2). Last evaluated 2026-01-12.

gnomAD v4.1: 136 of 1,613,774 alleles (0.0084%); highest among the groups gnomAD compares: Non-Finnish European, 0.011%; no homozygotes.

Submissions (2):

Labcorp Genetics (formerly Invitae), Labcorp
Classification: Uncertain significance. Last evaluated: 2026-01-12. Review status: criteria provided, single submitter. Criteria: Invitae Variant Classification Sherloc (09022015). Collection method: clinical testing. Allele origin: germline.
Comment: This sequence change replaces glycine, which is neutral and non-polar, with arginine, which is basic and polar, at codon 883 of the FBN3 protein (p.Gly883Arg). This variant is present in population databases (rs772898404, gnomAD 0.004%). This variant has not been reported in the literature in individuals affected with FBN3-related conditions. ClinVar contains an entry for this variant (Variation ID: 3513680). Invitae Evidence Modeling of protein sequence and biophysical properties (such as structural, functional, and spatial information, amino acid conservation, physicochemical variation, residue mobility, and thermodynamic stability) indicates that this missense variant is expected to disrupt FBN3 protein function with a positive predictive value of 80%. In summary, the available evidence is currently insufficient to determine the role of this variant in disease. Therefore, it has been classified as a Variant of Uncertain Significance.

Ambry Genetics
Classification: Uncertain significance. Last evaluated: 2024-10-07. Review status: criteria provided, single submitter. Criteria: Ambry Variant Classification Scheme 2023. Collection method: clinical testing. Allele origin: germline.

NM_032447.5(FBN3):c.2647G>A (p.Gly883Arg)

Gene: FBN3 (fibrillin 3; minus strand). Cytogenetic location: 19p13.2.
Variant type: single nucleotide variant.
Coding change: c.2647G>A on transcript NM_032447.5 (MANE Select); coding-DNA position 2647, G replaced by A.
Protein change: p.Gly883Arg; replaces glycine 883 with arginine.
Molecular consequence: missense variant.
Genome position (GRCh38, 1-based): chr19:8,125,976, C>T on the plus strand (G>A on the coding strand, the complement: FBN3 is on the minus strand). VCF-style: chr19-8125976-C-T. GRCh37 (hg19) VCF-style: chr19-8190860-C-T.
Other names: c.2647G>A, p.Gly883Arg (NM_001321431.2); short protein forms G883R.
Identifiers: ClinVar variation 3513680 (VCV003513680.2).